The following is an entry in ClinVar:

ClinVar aggregate classification (germline): Uncertain significance (1 of 4 stars; one submission).

Allele frequency attached by ClinVar (database versions not stated): gnomAD 0.00003; ExAC 0.00017; 1000 Genomes Project 30x 0.00031; 1000 Genomes Project 0.00040.

Submission:

Labcorp Genetics (formerly Invitae), Labcorp
Classification: Uncertain significance. Last evaluated: 2022-08-09. Review status: criteria provided, single submitter. Criteria: Invitae Variant Classification Sherloc (09022015). Collection method: clinical testing. Allele origin: germline.
Comment: In summary, the available evidence is currently insufficient to determine the role of this variant in disease. Therefore, it has been classified as a Variant of Uncertain Significance. Algorithms developed to predict the effect of missense changes on protein structure and function output the following: SIFT: "Tolerated"; PolyPhen-2: "Possibly Damaging"; Align-GVGD: "Class C0". The aspartic acid amino acid residue is found in multiple mammalian species, which suggests that this missense change does not adversely affect protein function. This variant has not been reported in the literature in individuals affected with DEF6-related conditions. This variant is present in population databases (rs547573694, gnomAD 0.07%). This sequence change replaces glutamic acid, which is acidic and polar, with aspartic acid, which is acidic and polar, at codon 479 of the DEF6 protein (p.Glu479Asp).

NM_022047.4(DEF6):c.1437G>T (p.Glu479Asp)

Gene: DEF6 (DEF6 guanine nucleotide exchange factor; plus strand). Cytogenetic location: 6p21.31.
Variant type: single nucleotide variant.
Coding change: c.1437G>T on transcript NM_022047.4 (MANE Select); coding-DNA position 1437, G replaced by T.
Protein change: p.Glu479Asp; replaces glutamic acid 479 with aspartic acid.
Molecular consequence: missense variant.
Genome position (GRCh38, 1-based): chr6:35,319,873, G>T. VCF-style: chr6-35319873-G-T. GRCh37 (hg19) VCF-style: chr6-35287650-G-T.
Other names: short protein forms E479D.
Identifiers: ClinVar variation 2057095 (VCV002057095.2), dbSNP rs547573694, ClinGen allele CA3770935.
Genomic context (GRCh38, chr6:35,319,873, plus strand): 5'-CGGCAGACTGCTGGAAGAGGAGGAAGAGAAGCTGAAGCAGTTGATGCAGCTGAAGGAGGA[G>T]CAGGAGCGCTACATCGAACGGGCGCAGCAGGAGAAGGAAGAGCTGCAGCAGGAGATGGCA-3'
Protein context (NP_071330.3, residues 469-489): KLKQLMQLKE[Glu479Asp]QERYIERAQQ